The following is an entry in ClinVar:

ClinVar aggregate classification (germline): Uncertain significance (1 of 4 stars; one submission).

Conditions:
Hereditary insensitivity to pain with anhidrosis (CIPA). Also called: INSENSITIVITY TO PAIN, CONGENITAL, WITH ANHIDROSIS; FAMILIAL DYSAUTONOMIA, TYPE II; NEUROPATHY, CONGENITAL SENSORY, WITH ANHIDROSIS; NTRK1 Congenital Insensitivity to Pain with Anhidrosis; HSAN Type IV; hereditary sensory and autonomic neuropathy type 4. Identifiers: Orphanet 642, MedGen C0020074, MONDO:0009746, OMIM 256800.

gnomAD v4.1: 1 of 1,530,184 alleles (0.000065%); highest among the groups gnomAD compares: Non-Finnish European, 0.000087%; no homozygotes.

Submission:

Labcorp Genetics (formerly Invitae), Labcorp
Classification: Uncertain significance for Hereditary insensitivity to pain with anhidrosis. Last evaluated: 2021-09-01. Review status: criteria provided, single submitter. Criteria: Invitae Variant Classification Sherloc (09022015). Collection method: clinical testing. Allele origin: germline.
Comment: This sequence change replaces serine with glycine at codon 21 of the NTRK1 protein (p.Ser21Gly). The serine residue is moderately conserved and there is a small physicochemical difference between serine and glycine. The frequency data for this variant in the population databases is considered unreliable, as metrics indicate insufficient coverage at this position in the ExAC database. This variant has not been reported in the literature in individuals affected with NTRK1-related conditions. Advanced modeling of protein sequence and biophysical properties (such as structural, functional, and spatial information, amino acid conservation, physicochemical variation, residue mobility, and thermodynamic stability) performed at Invitae indicates that this missense variant is not expected to disrupt NTRK1 protein function. In summary, the available evidence is currently insufficient to determine the role of this variant in disease. Therefore, it has been classified as a Variant of Uncertain Significance.

NM_002529.4(NTRK1):c.61A>G (p.Ser21Gly)

Gene: NTRK1 (neurotrophic receptor tyrosine kinase 1; plus strand). Cytogenetic location: 1q23.1.
Variant type: single nucleotide variant.
Coding change: c.61A>G on transcript NM_002529.4 (MANE Select); coding-DNA position 61, A replaced by G.
Protein change: p.Ser21Gly; replaces serine 21 with glycine.
Molecular consequence: missense variant. On other transcripts: intron variant (1).
Genome position (GRCh38, 1-based): chr1:156,860,995, A>G. VCF-style: chr1-156860995-A-G. GRCh37 (hg19) VCF-style: chr1-156830787-A-G.
Other names: c.61A>G, p.Ser21Gly (NM_001012331.2); c.123-3359A>G (NM_001007792.1); short protein forms S21G.
Identifiers: ClinVar variation 1474530 (VCV001474530.5), dbSNP rs1402027172, ClinGen allele CA342929163.
Genomic context (GRCh38, chr1:156,860,995, plus strand): 5'-ATGCTGCGAGGCGGACGGCGCGGGCAGCTTGGCTGGCACAGCTGGGCTGCGGGGCCGGGC[A>G]GCCTGCTGGCTTGGCTGATACTGGCATCTGCGGGCGCCGCACCCTGCCCCGATGCCTGCT-3'
Protein context (NP_002520.2, residues 11-31): GWHSWAAGPG[Ser21Gly]LLAWLILASA